The following is an entry in ClinVar:

ClinVar aggregate classification (germline): Likely benign. Review status: criteria provided, multiple submitters, no conflicts (2 of 4 stars). 2 submissions from 2 submitters: Likely benign (2). Last evaluated 2025-11-18.

Conditions:
KMT2D-related disorder. Also called: KMT2D-Related Disorders.
Kabuki syndrome. Also called: NIIKAWA-KUROKI SYNDROME; Kabuki make-up syndrome. Identifiers: Orphanet 2322, MedGen C0796004, MONDO:0016512.

Allele frequency attached by ClinVar (database versions not stated): 1000 Genomes Project 30x 0.00016.
gnomAD v4.1: 6 of 1,612,728 alleles (0.00037%); highest among the groups gnomAD compares: East Asian, 0.0022%; no homozygotes.

Submissions (2):

PreventionGenetics, part of Exact Sciences
Classification: Likely benign for KMT2D-related condition. Last evaluated: 2025-11-18. Review status: criteria provided, single submitter. Criteria: ACMG Guidelines, 2015. Collection method: clinical testing. Allele origin: germline.
Comment: This variant is classified as likely benign based on ACMG/AMP sequence variant interpretation guidelines (Richards et al. 2015 PMID: 25741868, with internal and published modifications).

Labcorp Genetics (formerly Invitae), Labcorp
Classification: Likely benign for Kabuki syndrome. Last evaluated: 2024-10-25. Review status: criteria provided, single submitter. Criteria: Invitae Variant Classification Sherloc (09022015). Collection method: clinical testing. Allele origin: germline.

NM_003482.4(KMT2D):c.2214C>G (p.Ser738=)

Gene: KMT2D (lysine methyltransferase 2D; minus strand). Cytogenetic location: 12q13.12.
Variant type: single nucleotide variant.
Coding change: c.2214C>G on transcript NM_003482.4 (MANE Select); coding-DNA position 2214, C replaced by G.
Protein change: p.Ser738=; no amino-acid change (serine 738 retained).
Molecular consequence: synonymous variant.
Genome position (GRCh38, 1-based): chr12:49,051,469, G>C on the plus strand (C>G on the coding strand, the complement: KMT2D is on the minus strand). VCF-style: chr12-49051469-G-C. GRCh37 (hg19) VCF-style: chr12-49445252-G-C.
Other names: c.2214C>G (NM_003482.3).
Identifiers: ClinVar variation 1654292 (VCV001654292.9), dbSNP rs201219613, ClinGen allele CA236619536.